The following is an entry in ClinVar:

NM_003172.4(SURF1):c.543C>T (p.Phe181=)

Gene: SURF1 (SURF1 cytochrome c oxidase assembly factor; minus strand). Cytogenetic location: 9q34.2.
Variant type: single nucleotide variant.
Coding change: c.543C>T on transcript NM_003172.4 (MANE Select); coding-DNA position 543, C replaced by T.
Protein change: p.Phe181=; no amino-acid change (phenylalanine 181 retained).
Molecular consequence: synonymous variant.
Genome position (GRCh38, 1-based): chr9:133,352,739, G>A on the plus strand (C>T on the coding strand, the complement: SURF1 is on the minus strand). VCF-style: chr9-133352739-G-A. GRCh37 (hg19) VCF-style: chr9-136219594-G-A.
Other names: p.F181F:TTC>TTT; c.216C>T, p.Phe72= (NM_001280787.1).
Identifiers: ClinVar variation 215225 (VCV000215225.21), dbSNP rs62637580, ClinGen allele CA320982.
Genomic context (GRCh38, chr9:133,352,739, plus strand): 5'-GTCCATGTCCCTTACCTGGCCTTTCTGCCGGGTTTCAGGATTCACTTTCTTCCTGGGAAC[G>A]AACCCTCTATTTACCAGGATGGTGACTCTAGGGTAATGAAAGTGCTACTTCAGGTGGGGA-3'
Protein context (NP_003163.1, residues 171-191): LGVTILVNRG[Phe181=]VPRKKVNPET

ClinVar aggregate classification (germline): Benign/Likely benign. Review status: criteria provided, multiple submitters, no conflicts (2 of 4 stars). 5 submissions from 5 submitters: Benign (3); Likely benign (1). 1 of the submissions does not count toward it. Last evaluated 2026-02-04.

Conditions:
Leigh syndrome (NULS). Also called: Subacute necrotizing encephalopathy; Necrotizing encephalopathy infantile subacute of Leigh; Leigh's syndrome; Leigh Disease; LEIGH SYNDROME, NUCLEAR; Leigh's necrotizing encephalopathy. Identifiers: Orphanet 506, MedGen C2931891, MONDO:0009723, OMIM 256000.

Allele frequency attached by ClinVar (database versions not stated): ESP Exome Variant Server 0.00546; gnomAD exomes 0.00846 and 0.02087; gnomAD 0.01036 and 0.01325; TOPMed 0.01671; ExAC 0.02407; 1000 Genomes Project 30x 0.04669; 1000 Genomes Project 0.04892.
gnomAD v4.1: 14,680 of 1,612,502 alleles (0.91%); highest among the groups gnomAD compares: East Asian, 23%; 1,267 homozygotes.

Submissions (5):

Labcorp Genetics (formerly Invitae), Labcorp
Classification: Benign for Leigh syndrome. Last evaluated: 2026-02-04. Review status: criteria provided, single submitter. Criteria: Invitae Variant Classification Sherloc (09022015). Collection method: clinical testing. Allele origin: germline.

Women's Health and Genetics/Laboratory Corporation of America, LabCorp
Classification: Benign. Last evaluated: 2016-04-05. Review status: criteria provided, single submitter. Criteria: LabCorp Variant Classification Summary - May 2015. Collection method: clinical testing. Allele origin: germline.
Comment: Variant summary: The c.543C>T in SURF1 gene is a synonymous change that involves a non-conserved nucleotide. 5/5 programs in Alamut predict that this variant does not affect normal splicing, however no functional studies supporting this notion were published at the time of evaluation. The variant is present in the control population dataset of ExAC at frequency of 2%, primarily in individuals of East Asian descent (~26%), including numerous homozygous occurrences. The observed frequency exceeds the maximum expected allele frequency for a pathogenic SURF1 variant, suggesting that it is a common polymorphism. In addition, the variant has been reported as Benign by reputable database/clinical laboratory. Taken together, this variant has been classified as Benign.

GeneDx
Classification: Benign. Last evaluated: 2011-07-05. Review status: criteria provided, single submitter. Criteria: GeneDx Variant Classification (06012015). Collection method: clinical testing. Allele origin: germline. Affected: yes.
Comment: This variant is considered likely benign or benign based on one or more of the following criteria: it is a conservative change, it occurs at a poorly conserved position in the protein, it is predicted to be benign by multiple in silico algorithms, and/or has population frequency not consistent with disease.

Breakthrough Genomics
Classification: Likely benign. Review status: criteria provided, single submitter. Criteria: ACMG Guidelines, 2015. Collection method: not provided. Allele origin: germline. Inheritance: Autosomal recessive inheritance. Affected: yes.

Mayo Clinic Laboratories, Mayo Clinic
Classification: Benign. Last evaluated: 2016-02-29. Review status: no assertion criteria provided. Collection method: clinical testing. Allele origin: unknown. Not counted in ClinVar's aggregate classification.